The following is an entry in ClinVar:

ClinVar aggregate classification (germline): Pathogenic. Review status: criteria provided, single submitter (1 of 4 stars). 2 submissions from 2 submitters: Pathogenic (1). 1 of the submissions does not count toward it. Last evaluated 2021-06-21.

Conditions:
Vitelliform macular dystrophy 3 (VMD3). Also called: PRPH2 vitelliform macular dystrophy; vitelliform macular dystrophy caused by mutation in PRPH2. Identifiers: MedGen CN295869, MONDO:0024561, OMIM 608161.

Submissions (2):

DBGen Ocular Genomics
Classification: Pathogenic for Vitelliform macular dystrophy 3. Last evaluated: 2021-06-21. Review status: criteria provided, single submitter. Criteria: ACMG Guidelines, 2015. Collection method: clinical testing. Allele origin: germline. Affected: yes. Observed: 1 variant allele.

Leiden Open Variation Database
Classification: Likely pathogenic. Last evaluated: 2021-04-06. Review status: no assertion criteria provided. Collection method: curation. Allele origin: germline. Affected: yes. Not counted in ClinVar's aggregate classification.
Comment: Curator: Global Variome, with Curator vacancy. Submitter to LOVD: Manon Peeters. Comment: Variant observed de novo.

Literature cited by the submitters: PubMed 32660024 (cited by Leiden Open Variation Database).

NM_000322.5(PRPH2):c.824_828+3delinsCATTTGGGCTCCTCATTTGG

Gene: PRPH2 (peripherin 2; minus strand). Cytogenetic location: 6p21.1.
Variant type: Indel.
Coding change: c.824_828+3delinsCATTTGGGCTCCTCATTTGG on transcript NM_000322.5 (MANE Select); coding-DNA position 824 through 3 bases into the intron after coding-DNA position 828, TCGAGGTA replaced by CATTTGGGCTCCTCATTTGG.
Molecular consequence: splice donor variant.
Genome position (GRCh38, 1-based): chr6:42,704,362-42,704,369, TACCTCGA replaced by CCAAATGAGGAGCCCAAATG on the plus strand (TCGAGGTA replaced by CATTTGGGCTCCTCATTTGG on the coding strand, the reverse complement: PRPH2 is on the minus strand). VCF-style: chr6-42704362-TACCTCGA-CCAAATGAGGAGCCCAAATG. GRCh37 (hg19) VCF-style: chr6-42672100-TACCTCGA-CCAAATGAGGAGCCCAAATG.
Other names: c.824_828+3delTCGAGGTAinsCATTTGGGCTCCTCATTTGG (NM_000322.5).
Identifiers: ClinVar variation 1175230 (VCV001175230.3), dbSNP rs2152005182, ClinGen allele CA2499218265.
Genomic context (GRCh38, chr6:42,704,362, plus strand): 5'-ATTAGACCCAAATGGGACCGGAGGCTCTCCTTACCCTCTACCCCCAGCTGGCCCAGGGCC[TACCTCGA>CCAAATGAGGAGCCCAAATG]AGAGCCAAATGAGGAGCGTGACGACACCCATGGAGTTCATGAGGCTGCTGTAGTAGCTCA-3'